The following is an entry in ClinVar:

ClinVar aggregate classification (germline): Uncertain significance (1 of 4 stars; one submission).

Submission:

GeneDx
Classification: Uncertain significance. Last evaluated: 2023-10-30. Review status: criteria provided, single submitter. Criteria: GeneDx Variant Classification Process June 2021. Collection method: clinical testing. Allele origin: germline. Affected: yes.
Comment: Not observed at significant frequency in large population cohorts (gnomAD); In silico analysis supports that this missense variant has a deleterious effect on protein structure/function; Has not been previously published as pathogenic or benign to our knowledge

NM_015057.5(MYCBP2):c.9952A>G (p.Lys3318Glu)

Gene: MYCBP2 (MYC binding protein 2; minus strand). Cytogenetic location: 13q22.3.
Variant type: single nucleotide variant.
Coding change: c.9952A>G on transcript NM_015057.5 (MANE Select); coding-DNA position 9952, A replaced by G.
Protein change: p.Lys3318Glu; replaces lysine 3318 with glutamic acid.
Molecular consequence: missense variant.
Genome position (GRCh38, 1-based): chr13:77,096,314, T>C on the plus strand (A>G on the coding strand, the complement: MYCBP2 is on the minus strand). VCF-style: chr13-77096314-T-C. GRCh37 (hg19) VCF-style: chr13-77670449-T-C.
Other names: short protein forms K3318E.
Identifiers: ClinVar variation 3363476 (VCV003363476.1).